The following is an entry in ClinVar:

ClinVar aggregate classification (germline): Uncertain significance. Review status: criteria provided, multiple submitters, no conflicts (2 of 4 stars). 3 submissions from 3 submitters: Uncertain significance (2). 1 of the submissions does not count toward it. Last evaluated 2017-11-01.

Conditions:
VIL1-related disorder. Also called: VIL1-related condition.

Allele frequency attached by ClinVar (database versions not stated): TOPMed 0.00101; gnomAD 0.00107 and 0.00099; ExAC 0.00115; gnomAD exomes 0.00131; ESP Exome Variant Server 0.00161; 1000 Genomes Project 30x 0.00016; 1000 Genomes Project 0.00020.
gnomAD v4.1: 1,668 of 1,611,970 alleles (0.1%); highest among the groups gnomAD compares: Middle Eastern, 0.31%; 3 homozygotes.

Submissions (3):

CeGaT Center for Human Genetics Tuebingen
Classification: Uncertain significance. Last evaluated: 2017-11-01. Review status: criteria provided, single submitter. Criteria: CeGaT Center For Human Genetics Tuebingen Variant Classification Criteria Version 2. Collection method: clinical testing. Allele origin: germline. Affected: yes. Observed: 1 variant allele.

Breakthrough Genomics
Classification: Uncertain significance. Review status: criteria provided, single submitter. Criteria: ACMG Guidelines, 2015. Collection method: not provided. Allele origin: germline. Inheritance: Unknown mechanism. Affected: yes.

PreventionGenetics, part of Exact Sciences
Classification: Benign for VIL1-related condition. Last evaluated: 2019-05-01. Review status: no assertion criteria provided. Collection method: clinical testing. Allele origin: germline. Not counted in ClinVar's aggregate classification.
Comment: This variant is classified as benign based on ACMG/AMP sequence variant interpretation guidelines (Richards et al. 2015 PMID: 25741868, with internal and published modifications).

NM_007127.3(VIL1):c.1514G>A (p.Arg505Gln)

Gene: VIL1 (villin 1; plus strand). Cytogenetic location: 2q35.
Variant type: single nucleotide variant.
Coding change: c.1514G>A on transcript NM_007127.3 (MANE Select); coding-DNA position 1514, G replaced by A.
Protein change: p.Arg505Gln; replaces arginine 505 with glutamine.
Molecular consequence: missense variant.
Genome position (GRCh38, 1-based): chr2:218,434,539, G>A. VCF-style: chr2-218434539-G-A. GRCh37 (hg19) VCF-style: chr2-219299262-G-A.
Other names: c.1514G>A (NM_007127.2); short protein forms R505Q.
Identifiers: ClinVar variation 546889 (VCV000546889.45), dbSNP rs146529113, ClinGen allele CA2106507.
Genomic context (GRCh38, chr2:218,434,539, plus strand): 5'-TAAGTGACTCCTGACTCTCTCTCCCTGTCTTCTGCCCTCACCTGCAGGGAGGCACCTCCC[G>A]AACTAACAACTTGGAGACCGGGCCCTCCACACGGCTGTTCCAGGTCCAGGGAACTGGCGC-3'
Protein context (NP_009058.2, residues 495-515): RMVVYQGGTS[Arg505Gln]TNNLETGPST